The following is an entry in ClinVar:

NM_006030.4(CACNA2D2):c.120C>T (p.Pro40=)

Gene: CACNA2D2 (calcium voltage-gated channel auxiliary subunit alpha2delta 2; minus strand). Cytogenetic location: 3p21.31.
Variant type: single nucleotide variant.
Coding change: c.120C>T on transcript NM_006030.4 (MANE Select); coding-DNA position 120, C replaced by T.
Protein change: p.Pro40=; no amino-acid change (proline 40 retained).
Molecular consequence: synonymous variant. On other transcripts: intron variant (1).
Genome position (GRCh38, 1-based): chr3:50,503,304, G>A on the plus strand (C>T on the coding strand, the complement: CACNA2D2 is on the minus strand). VCF-style: chr3-50503304-G-A. GRCh37 (hg19) VCF-style: chr3-50540735-G-A.
Other names: c.120C>T, p.Pro40= (NM_001005505.3, NM_001174051.3); c.-2+765C>T (NM_001291101.1).
Identifiers: ClinVar variation 530582 (VCV000530582.14), dbSNP rs907775113, ClinGen allele CA74518920.

ClinVar aggregate classification (germline): Likely benign. Review status: criteria provided, multiple submitters, no conflicts (2 of 4 stars). 3 submissions from 3 submitters: Likely benign (2). 1 of the submissions does not count toward it. Last evaluated 2024-03-05.

Conditions:
CACNA2D2-related disorder. Also called: CACNA2D2-related condition.
Early-infantile DEE. Also called: Ohtahara syndrome; Early infantile epileptic encephalopathy with suppression bursts; Early infantile epileptic encephalopathy. Identifiers: Orphanet 1934, MedGen C0393706, MONDO:0800491.

Allele frequency attached by ClinVar (database versions not stated): gnomAD 0.00004 and 0.00005; TOPMed 0.00004; gnomAD exomes 0.00012.
gnomAD v4.1: 93 of 904,544 alleles (0.01%); highest among the groups gnomAD compares: Non-Finnish European, 0.013%; no homozygotes.

Submissions (3):

Blueprint Genetics
Classification: Likely benign. Last evaluated: 2024-03-05. Review status: criteria provided, single submitter. Criteria: ACMG Guidelines, 2015. Collection method: clinical testing. Allele origin: germline.

Labcorp Genetics (formerly Invitae), Labcorp
Classification: Likely benign for Early-infantile DEE. Last evaluated: 2022-05-14. Review status: criteria provided, single submitter. Criteria: Invitae Variant Classification Sherloc (09022015). Collection method: clinical testing. Allele origin: germline.

PreventionGenetics, part of Exact Sciences
Classification: Likely benign for CACNA2D2-related condition. Last evaluated: 2019-05-28. Review status: no assertion criteria provided. Collection method: clinical testing. Allele origin: germline. Not counted in ClinVar's aggregate classification.
Comment: This variant is classified as likely benign based on ACMG/AMP sequence variant interpretation guidelines (Richards et al. 2015 PMID: 25741868, with internal and published modifications).